The following is an entry in ClinVar:

ClinVar aggregate classification (germline): Uncertain significance. Review status: criteria provided, single submitter (1 of 4 stars). 2 submissions from 2 submitters: Uncertain significance (1). 1 of the submissions does not count toward it. Last evaluated 2025-06-08.

Conditions:
GATA5-related disorder. Also called: GATA5-related condition.

gnomAD v4.1: 3 of 1,389,814 alleles (0.00022%); highest among the groups gnomAD compares: Non-Finnish European, 0.00028%; no homozygotes.

Submissions (2):

Ambry Genetics
Classification: Uncertain significance. Last evaluated: 2025-06-08. Review status: criteria provided, single submitter. Criteria: Ambry Variant Classification Scheme 2023. Collection method: clinical testing. Allele origin: germline.

PreventionGenetics, part of Exact Sciences
Classification: Uncertain significance for GATA5-related condition. Last evaluated: 2023-12-01. Review status: no assertion criteria provided. Collection method: clinical testing. Allele origin: germline. Not counted in ClinVar's aggregate classification.
Comment: The GATA5 c.494A>G variant is predicted to result in the amino acid substitution p.His165Arg. To our knowledge, this variant has not been reported in the literature or in a large population database, indicating this variant is rare. At this time, the clinical significance of this variant is uncertain due to the absence of conclusive functional and genetic evidence.

NM_080473.5(GATA5):c.494A>G (p.His165Arg)

Gene: GATA5 (GATA binding protein 5; minus strand). Cytogenetic location: 20q13.33.
Variant type: single nucleotide variant.
Coding change: c.494A>G on transcript NM_080473.5 (MANE Select); coding-DNA position 494, A replaced by G.
Protein change: p.His165Arg; replaces histidine 165 with arginine.
Molecular consequence: missense variant.
Genome position (GRCh38, 1-based): chr20:62,475,028, T>C on the plus strand (A>G on the coding strand, the complement: GATA5 is on the minus strand). VCF-style: chr20-62475028-T-C. GRCh37 (hg19) VCF-style: chr20-61050084-T-C.
Other names: short protein forms H165R.
Identifiers: ClinVar variation 3041660 (VCV003041660.3), dbSNP rs1267045225, ClinGen allele CA409556246.